The following is an entry in ClinVar:

NM_058216.3(RAD51C):c.89C>T (p.Ala30Val)

Gene: RAD51C (RAD51 paralog C; plus strand). Cytogenetic location: 17q22.
Variant type: single nucleotide variant.
Coding change: c.89C>T on transcript NM_058216.3 (MANE Select); coding-DNA position 89, C replaced by T.
Protein change: p.Ala30Val; replaces alanine 30 with valine.
Molecular consequence: missense variant. On other transcripts: non-coding transcript variant (1).
Genome position (GRCh38, 1-based): chr17:58,692,732, C>T. VCF-style: chr17-58692732-C-T. GRCh37 (hg19) VCF-style: chr17-56770093-C-T.
Other names: c.89C>T, p.Ala30Val (NM_002876.4); short protein forms A30V.
Identifiers: ClinVar variation 480944 (VCV000480944.25), dbSNP rs1000113630, ClinGen allele CA292047058.

ClinVar aggregate classification (germline): Conflicting classifications of pathogenicity. Review status: criteria provided, conflicting classifications (1 of 4 stars). 8 submissions from 8 submitters: Uncertain significance (7); Benign (1). Last evaluated 2025-12-08.

Conditions:
Familial ovarian cancer. Identifiers: MedGen C5679802, MONDO:0016248.
RAD51C-related disorder. Also called: RAD51C-related condition; RAD51C-related disorders.
Hereditary cancer-predisposing syndrome. Also called: Neoplastic Syndromes, Hereditary; Hereditary Cancer Syndrome; Tumor predisposition; Hereditary neoplastic syndrome. Identifiers: Orphanet 140162, MedGen C0027672, MeSH D009386, MONDO:0015356.
Fanconi anemia complementation group O. Also called: RAD51C-Related Fanconi Anemia. Identifiers: Orphanet 84, MedGen C3150653, MONDO:0013248, OMIM 613390.
Breast-ovarian cancer, familial, susceptibility to, 3. Also called: RAD51C-Related Breast/Ovarian Cancer. Identifiers: Orphanet 145, MedGen C3150659, MONDO:0013253, OMIM 613399.

Allele frequency attached by ClinVar (database versions not stated): gnomAD exomes below 0.00001 and 0.00001; gnomAD 0.00001; TOPMed 0.00002.
gnomAD v4.1: 14 of 1,614,082 alleles (0.00087%); highest among the groups gnomAD compares: Middle Eastern, 0.016%; no homozygotes.

Submissions (8):

Labcorp Genetics (formerly Invitae), Labcorp
Classification: Uncertain significance for Fanconi anemia complementation group O. Last evaluated: 2025-12-08. Review status: criteria provided, single submitter. Criteria: Invitae Variant Classification Sherloc (09022015). Collection method: clinical testing. Allele origin: germline.
Comment: This sequence change replaces alanine, which is neutral and non-polar, with valine, which is neutral and non-polar, at codon 30 of the RAD51C protein (p.Ala30Val). This variant is present in population databases (no rsID available, gnomAD 0.003%). This variant has not been reported in the literature in individuals affected with RAD51C-related conditions. ClinVar contains an entry for this variant (Variation ID: 480944). Invitae Evidence Modeling of protein sequence and biophysical properties (such as structural, functional, and spatial information, amino acid conservation, physicochemical variation, residue mobility, and thermodynamic stability) indicates that this missense variant is not expected to disrupt RAD51C protein function with a negative predictive value of 80%. In summary, the available evidence is currently insufficient to determine the role of this variant in disease. Therefore, it has been classified as a Variant of Uncertain Significance.

Ambry Genetics
Classification: Benign for Hereditary cancer-predisposing syndrome. Last evaluated: 2025-10-28. Review status: criteria provided, single submitter. Criteria: Ambry Variant Classification Scheme 2023. Collection method: clinical testing. Allele origin: germline.

PreventionGenetics, part of Exact Sciences
Classification: Uncertain significance for RAD51C-related condition. Last evaluated: 2025-10-24. Review status: criteria provided, single submitter. Criteria: ACMG Guidelines, 2015. Collection method: clinical testing. Allele origin: germline.
Comment: The RAD51C c.89C>T variant is predicted to result in the amino acid substitution p.Ala30Val. This variant has been reported in an individual with breast cancer (Akcay et al. 2020. PubMed ID: 32658311). This variant is reported in 0.0029% of alleles in individuals of Latino descent in gnomAD and is classified as uncertain in ClinVar (Variation ID: 480944). At this time, the clinical significance of this variant is uncertain due to the absence of conclusive functional and genetic evidence.

Molecular Pathology, Peter Maccallum Cancer Centre
Classification: Uncertain significance for Familial ovarian cancer. Last evaluated: 2025-04-17. Review status: criteria provided, single submitter. Criteria: ACMG Guidelines, 2015. Collection method: clinical testing. Allele origin: germline. Inheritance: Autosomal dominant inheritance.

Baylor Genetics
Classification: Uncertain significance for Breast-ovarian cancer, familial, susceptibility to, 3. Last evaluated: 2024-02-16. Review status: criteria provided, single submitter. Criteria: ACMG Guidelines, 2015. Collection method: clinical testing. Allele origin: unknown.

GeneDx
Classification: Uncertain significance. Last evaluated: 2023-02-10. Review status: criteria provided, single submitter. Criteria: GeneDx Variant Classification Process June 2021. Collection method: clinical testing. Allele origin: germline. Affected: yes.
Comment: Not observed at significant frequency in large population cohorts (gnomAD); In silico analysis supports that this missense variant has a deleterious effect on protein structure/function; Observed in individuals with ovarian cancer (Li et al., 2019); This variant is associated with the following publications: (PMID: 30584090)

Color Diagnostics, LLC DBA Color Health
Classification: Uncertain significance for Hereditary cancer-predisposing syndrome. Last evaluated: 2022-09-26. Review status: criteria provided, single submitter. Criteria: ACMG Guidelines, 2015. Collection method: clinical testing. Allele origin: germline.
Comment: This missense variant replaces alanine with valine at codon 30 of the RAD51C protein. Computational prediction suggests that this variant may not impact protein structure and function (internally defined REVEL score threshold <= 0.5, PMID: 27666373). To our knowledge, functional studies have not been reported for this variant. This variant has not been reported in individuals affected with hereditary cancer in the literature. This variant has been identified in 1/251464 chromosomes in the general population by the Genome Aggregation Database (gnomAD). The available evidence is insufficient to determine the role of this variant in disease conclusively. Therefore, this variant is classified as a Variant of Uncertain Significance.

Blueprint Genetics
Classification: Uncertain significance. Last evaluated: 2018-07-30. Review status: criteria provided, single submitter. Criteria: ACMG Guidelines, 2015. Collection method: clinical testing. Allele origin: germline.

Literature cited by the submitters: PubMed 32658311 (cited by Ambry Genetics).